The following is an entry in ClinVar:

NM_000179.3(MSH6):c.278G>A (p.Gly93Glu)

Gene: MSH6 (mutS homolog 6; plus strand). Cytogenetic location: 2p16.3.
Variant type: single nucleotide variant.
Coding change: c.278G>A on transcript NM_000179.3 (MANE Select); coding-DNA position 278, G replaced by A.
Protein change: p.Gly93Glu; replaces glycine 93 with glutamic acid.
Molecular consequence: missense variant. On other transcripts: 5 prime UTR variant (2), intron variant (1).
Genome position (GRCh38, 1-based): chr2:47,790,944, G>A. VCF-style: chr2-47790944-G-A. GRCh37 (hg19) VCF-style: chr2-48018083-G-A.
Other names: c.-459G>A (NM_001281493.2, NM_001406811.1, NM_001406823.1 and 1 more transcripts); c.-625G>A (NM_001281494.2); c.374G>A, p.Gly125Glu (NM_001406795.1, NM_001406802.1); c.278G>A, p.Gly93Glu (NM_001406796.1, NM_001406798.1, NM_001406800.1 and 6 more transcripts); c.-20G>A (NM_001406797.1, NM_001406801.1, NM_001406805.1 and 10 more transcripts); c.200G>A, p.Gly67Glu (NM_001406804.1); c.-651G>A (NM_001406807.1); c.-306G>A (NM_001406812.1); and 3 more; short protein forms G37E, G125E, G93E, G67E.
Identifiers: ClinVar variation 1796026 (VCV001796026.4), dbSNP rs2104099370, ClinGen allele CA346736558.

ClinVar aggregate classification (germline): Uncertain significance. Review status: criteria provided, multiple submitters, no conflicts (2 of 4 stars). 2 submissions from 2 submitters: Uncertain significance (2). Last evaluated 2025-12-05.

Conditions:
Hereditary cancer-predisposing syndrome. Also called: Tumor predisposition; Hereditary Cancer Syndrome; Neoplastic Syndromes, Hereditary; Hereditary neoplastic syndrome. Identifiers: Orphanet 140162, MedGen C0027672, MeSH D009386, MONDO:0015356.
Hereditary nonpolyposis colorectal neoplasms. Identifiers: MedGen C0009405, MeSH D003123.

Submissions (2):

Labcorp Genetics (formerly Invitae), Labcorp
Classification: Uncertain significance for Hereditary nonpolyposis colorectal neoplasms. Last evaluated: 2025-12-05. Review status: criteria provided, single submitter. Criteria: Invitae Variant Classification Sherloc (09022015). Collection method: clinical testing. Allele origin: germline.
Comment: This sequence change replaces glycine, which is neutral and non-polar, with glutamic acid, which is acidic and polar, at codon 93 of the MSH6 protein (p.Gly93Glu). This variant is not present in population databases (gnomAD no frequency). This variant has not been reported in the literature in individuals affected with MSH6-related conditions. ClinVar contains an entry for this variant (Variation ID: 1796026). Invitae Evidence Modeling of protein sequence and biophysical properties (such as structural, functional, and spatial information, amino acid conservation, physicochemical variation, residue mobility, and thermodynamic stability) has been performed for this missense variant. However, the output from this modeling did not meet the statistical confidence thresholds required to predict the impact of this variant on MSH6 protein function. In summary, the available evidence is currently insufficient to determine the role of this variant in disease. Therefore, it has been classified as a Variant of Uncertain Significance.

Ambry Genetics
Classification: Uncertain significance for Hereditary cancer-predisposing syndrome. Last evaluated: 2024-04-09. Review status: criteria provided, single submitter. Criteria: Ambry Variant Classification Scheme 2023. Collection method: clinical testing. Allele origin: germline.
Comment: The p.G93E variant (also known as c.278G>A), located in coding exon 2 of the MSH6 gene, results from a G to A substitution at nucleotide position 278. The glycine at codon 93 is replaced by glutamic acid, an amino acid with similar properties. This amino acid position is highly conserved in available vertebrate species. In addition, this alteration is predicted to be deleterious by in silico analysis. Since supporting evidence is limited at this time, the clinical significance of this alteration remains unclear.